The following is an entry in ClinVar:

ClinVar aggregate classification (germline): Uncertain significance. Review status: criteria provided, multiple submitters, no conflicts (2 of 4 stars). 2 submissions from 2 submitters: Uncertain significance (2). Last evaluated 2025-07-01.

Conditions:
Charcot-Marie-Tooth disease axonal type 2C (HMSN2C). Also called: CHARCOT-MARIE-TOOTH DISEASE, AXONAL, AUTOSOMAL DOMINANT, TYPE 2C; Charcot-Marie-Tooth Neuropathy Type 2C; Charcot-Marie-Tooth Disease Type 2, TRPV4-Related (CMT2C). Identifiers: Orphanet 99937, MedGen C1853710, MONDO:0011633, OMIM 606071.

gnomAD v4.1: 5 of 1,613,950 alleles (0.00031%); highest among the groups gnomAD compares: Non-Finnish European, 0.00042%; no homozygotes.

Submissions (2):

CeGaT Center for Human Genetics Tuebingen
Classification: Uncertain significance. Last evaluated: 2025-07-01. Review status: criteria provided, single submitter. Criteria: CeGaT Center For Human Genetics Tuebingen Variant Classification Criteria Version 2. Collection method: clinical testing. Allele origin: germline. Affected: yes. Observed: 1 variant allele.
Comment: TRPV4: PM2:Supporting

Labcorp Genetics (formerly Invitae), Labcorp
Classification: Uncertain significance for Charcot-Marie-Tooth disease axonal type 2C. Last evaluated: 2023-10-03. Review status: criteria provided, single submitter. Criteria: Invitae Variant Classification Sherloc (09022015). Collection method: clinical testing. Allele origin: germline.
Comment: This sequence change replaces glutamic acid, which is acidic and polar, with glutamine, which is neutral and polar, at codon 572 of the TRPV4 protein (p.Glu572Gln). This variant is present in population databases (no rsID available, gnomAD 0.01%). This variant has not been reported in the literature in individuals affected with TRPV4-related conditions. ClinVar contains an entry for this variant (Variation ID: 1401331). Advanced modeling of protein sequence and biophysical properties (such as structural, functional, and spatial information, amino acid conservation, physicochemical variation, residue mobility, and thermodynamic stability) has been performed at Invitae for this missense variant, however the output from this modeling did not meet the statistical confidence thresholds required to predict the impact of this variant on TRPV4 protein function. In summary, the available evidence is currently insufficient to determine the role of this variant in disease. Therefore, it has been classified as a Variant of Uncertain Significance.

NM_021625.5(TRPV4):c.1714G>C (p.Glu572Gln)

Gene: TRPV4 (transient receptor potential cation channel subfamily V member 4; minus strand). Cytogenetic location: 12q24.11.
Variant type: single nucleotide variant.
Coding change: c.1714G>C on transcript NM_021625.5 (MANE Select); coding-DNA position 1714, G replaced by C.
Protein change: p.Glu572Gln; replaces glutamic acid 572 with glutamine.
Molecular consequence: missense variant.
Genome position (GRCh38, 1-based): chr12:109,792,762, C>G on the plus strand (G>C on the coding strand, the complement: TRPV4 is on the minus strand). VCF-style: chr12-109792762-C-G. GRCh37 (hg19) VCF-style: chr12-110230567-C-G.
Other names: c.1573G>C, p.Glu525Gln (NM_001177428.2); c.1612G>C, p.Glu538Gln (NM_001177431.2); c.1393G>C, p.Glu465Gln (NM_001177433.2); c.1534G>C, p.Glu512Gln (NM_147204.3); short protein forms E525Q, E512Q, E538Q, E572Q, E465Q.
Identifiers: ClinVar variation 1401331 (VCV001401331.16), dbSNP rs1312427314, ClinGen allele CA386652527.